The following is an entry in ClinVar:

ClinVar aggregate classification (germline): Uncertain significance (1 of 4 stars; one submission).

Submission:

Labcorp Genetics (formerly Invitae), Labcorp
Classification: Uncertain significance. Last evaluated: 2023-09-10. Review status: criteria provided, single submitter. Criteria: Invitae Variant Classification Sherloc (09022015). Collection method: clinical testing. Allele origin: germline.
Comment: This sequence change replaces arginine, which is basic and polar, with glycine, which is neutral and non-polar, at codon 214 of the VCAN protein (p.Arg214Gly). This variant is not present in population databases (gnomAD no frequency). This variant has not been reported in the literature in individuals affected with VCAN-related conditions. An algorithm developed to predict the effect of missense changes on protein structure and function (PolyPhen-2) suggests that this variant is likely to be disruptive. In summary, the available evidence is currently insufficient to determine the role of this variant in disease. Therefore, it has been classified as a Variant of Uncertain Significance.

NM_004385.5(VCAN):c.640A>G (p.Arg214Gly)

Gene: VCAN (versican; plus strand). Cytogenetic location: 5q14.2.
Variant type: single nucleotide variant.
Coding change: c.640A>G on transcript NM_004385.5 (MANE Select); coding-DNA position 640, A replaced by G.
Protein change: p.Arg214Gly; replaces arginine 214 with glycine.
Molecular consequence: missense variant.
Genome position (GRCh38, 1-based): chr5:83,493,823, A>G. VCF-style: chr5-83493823-A-G. GRCh37 (hg19) VCF-style: chr5-82789642-A-G.
Other names: c.640A>G, p.Arg214Gly (NM_001126336.3, NM_001164097.2, NM_001164098.2); short protein forms R214G.
Identifiers: ClinVar variation 2749589 (VCV002749589.3), dbSNP rs2478973449, ClinGen allele CA360296704.